The following is an entry in ClinVar:

NM_002637.4(PHKA1):c.14G>A (p.Ser5Asn)

Gene: PHKA1 (phosphorylase kinase regulatory subunit alpha 1; minus strand). Cytogenetic location: Xq13.1.
Variant type: single nucleotide variant.
Coding change: c.14G>A on transcript NM_002637.4 (MANE Select); coding-DNA position 14, G replaced by A.
Protein change: p.Ser5Asn; replaces serine 5 with asparagine.
Molecular consequence: missense variant.
Genome position (GRCh38, 1-based): chrX:72,713,867, C>T on the plus strand (G>A on the coding strand, the complement: PHKA1 is on the minus strand). VCF-style: chrX-72713867-C-T. GRCh37 (hg19) VCF-style: chrX-71933715-C-T.
Other names: c.14G>A, p.Ser5Asn (NM_001122670.2, NM_001172436.2); short protein forms S5N.
Identifiers: ClinVar variation 2660921 (VCV002660921.25), dbSNP rs1196812436, ClinGen allele CA413642603.

ClinVar aggregate classification (germline): Uncertain significance. Review status: criteria provided, multiple submitters, no conflicts (2 of 4 stars). 2 submissions from 2 submitters: Uncertain significance (2). Last evaluated 2025-01-03.

Conditions:
Glycogen storage disease IXd (GSD9D). Also called: GSD IXd; Muscle Phosphorylase Kinase Deficiency. Identifiers: Orphanet 715, MedGen C1845151, MONDO:0010362, OMIM 300559.

Allele frequency attached by ClinVar (database versions not stated): gnomAD exomes below 0.00001; TOPMed 0.00001; gnomAD 0.00002.
gnomAD v4.1: 7 of 1,201,960 alleles (0.00058%); highest among the groups gnomAD compares: Non-Finnish European, 0.00079%; no homozygotes.

Submissions (2):

Revvity Omics, Revvity
Classification: Uncertain significance for Glycogen storage disease IXd. Last evaluated: 2025-01-03. Review status: criteria provided, single submitter. Criteria: ACMG Guidelines, 2015. Collection method: clinical testing. Allele origin: germline.

CeGaT Center for Human Genetics Tuebingen
Classification: Uncertain significance. Last evaluated: 2023-07-01. Review status: criteria provided, single submitter. Criteria: CeGaT Center For Human Genetics Tuebingen Variant Classification Criteria Version 2. Collection method: clinical testing. Allele origin: germline. Affected: yes. Observed: 1 variant allele.
Comment: PHKA1: PP3